The following is an entry in ClinVar:

ClinVar aggregate classification (germline): Uncertain significance. Review status: criteria provided, multiple submitters, no conflicts (2 of 4 stars). 2 submissions from 2 submitters: Uncertain significance (2). Last evaluated 2023-12-19.

Allele frequency attached by ClinVar (database versions not stated): ExAC 0.00009; TOPMed 0.00019; 1000 Genomes Project 0.00020; gnomAD 0.00021; 1000 Genomes Project 30x 0.00031; ESP Exome Variant Server 0.00046.
gnomAD v4.1: 99 of 1,604,696 alleles (0.0062%); highest among the groups gnomAD compares: African/African-American, 0.051%; no homozygotes.

Submissions (2):

Ambry Genetics
Classification: Uncertain significance. Last evaluated: 2023-12-19. Review status: criteria provided, single submitter. Criteria: Ambry Variant Classification Scheme 2023. Collection method: clinical testing. Allele origin: germline.

Greenwood Genetic Center Diagnostic Laboratories, Greenwood Genetic Center
Classification: Uncertain significance. Last evaluated: 2023-03-29. Review status: criteria provided, single submitter. Criteria: ACMG Guidelines, 2015. Collection method: clinical testing. Allele origin: germline. Affected: yes.
Comment: Gene of Uncertain Significance

NM_032843.5(FIBCD1):c.644G>A (p.Arg215Gln)

Gene: FIBCD1 (fibrinogen C domain containing 1; minus strand). Cytogenetic location: 9q34.12.
Variant type: single nucleotide variant.
Coding change: c.644G>A on transcript NM_032843.5 (MANE Select); coding-DNA position 644, G replaced by A.
Protein change: p.Arg215Gln; replaces arginine 215 with glutamine.
Molecular consequence: missense variant.
Genome position (GRCh38, 1-based): chr9:130,924,305, C>T on the plus strand (G>A on the coding strand, the complement: FIBCD1 is on the minus strand). VCF-style: chr9-130924305-C-T. GRCh37 (hg19) VCF-style: chr9-133799692-C-T.
Other names: c.644G>A, p.Arg215Gln (NM_001145106.2); c.644G>A (NM_032843.4); short protein forms R215Q.
Identifiers: ClinVar variation 2505219 (VCV002505219.2), dbSNP rs199596206, ClinGen allele CA5286473.